The following is an entry in ClinVar:

NM_006204.4(PDE6C):c.1755G>T (p.Lys585Asn)

Gene: PDE6C (phosphodiesterase 6C; plus strand). Cytogenetic location: 10q23.33.
Variant type: single nucleotide variant.
Coding change: c.1755G>T on transcript NM_006204.4 (MANE Select); coding-DNA position 1755, G replaced by T.
Protein change: p.Lys585Asn; replaces lysine 585 with asparagine.
Molecular consequence: missense variant.
Genome position (GRCh38, 1-based): chr10:93,640,937, G>T. VCF-style: chr10-93640937-G-T. GRCh37 (hg19) VCF-style: chr10-95400694-G-T.
Other names: short protein forms K585N.
Identifiers: ClinVar variation 522317 (VCV000522317.44), dbSNP rs45522236, ClinGen allele CA5610291.
Genomic context (GRCh38, chr10:93,640,937, plus strand): 5'-TTCAAATAAATTATAGATATGCATATATATGTTATTTTTTTAGACAGGAAGATTAAAGAA[G>T]TACTACACAGATCTCGAAGCCTTTGCCATGCTTGCTGCTGCTTTCTGCCATGATATTGAC-3'
Protein context (NP_006195.3, residues 575-595): FTLLMTGRLK[Lys585Asn]YYTDLEAFAM

ClinVar aggregate classification (germline): Conflicting classifications of pathogenicity. Review status: criteria provided, conflicting classifications (1 of 4 stars). 7 submissions from 6 submitters: Uncertain significance (2); Benign (1); Likely benign (3). 1 of the submissions does not count toward it. Last evaluated 2026-02-02.

Conditions:
Cone dystrophy 4 (COD4). Identifiers: Orphanet 49382, MedGen C2751308, MONDO:0013129, OMIM 613093.
Achromatopsia. Also called: Rod monochromatism. Identifiers: Orphanet 49382, MedGen C0152200, MONDO:0018852, HP:0011516.

Allele frequency attached by ClinVar (database versions not stated): 1000 Genomes Project 0.00200; 1000 Genomes Project 30x 0.00219; TOPMed 0.00434; ESP Exome Variant Server 0.00469; gnomAD 0.00642 and 0.00677.
gnomAD v4.1: 9,551 of 1,606,732 alleles (0.59%); highest among the groups gnomAD compares: Non-Finnish European, 0.66%; 50 homozygotes.

Submissions (7):

Labcorp Genetics (formerly Invitae), Labcorp
Classification: Benign. Last evaluated: 2026-02-02. Review status: criteria provided, single submitter. Criteria: Invitae Variant Classification Sherloc (09022015). Collection method: clinical testing. Allele origin: germline.

CeGaT Center for Human Genetics Tuebingen
Classification: Likely benign. Last evaluated: 2026-01-01. Review status: criteria provided, single submitter. Criteria: CeGaT Center For Human Genetics Tuebingen Variant Classification Criteria Version 2. Collection method: clinical testing. Allele origin: germline. Affected: yes. Observed: 8 variant alleles.
Comment: PDE6C: BS2

Blueprint Genetics
Classification: Likely benign. Last evaluated: 2024-11-25. Review status: criteria provided, single submitter. Criteria: ACMG Guidelines, 2015. Collection method: clinical testing. Allele origin: germline.

Illumina Laboratory Services, Illumina
Classification: Uncertain significance for Cone dystrophy 4. Last evaluated: 2017-04-27. Review status: criteria provided, single submitter. Criteria: ICSL Variant Classification Criteria 13 December 2019. Collection method: clinical testing. Allele origin: germline.

Illumina Laboratory Services, Illumina
Classification: Uncertain significance for Achromatopsia. Last evaluated: 2017-04-27. Review status: criteria provided, single submitter. Criteria: ICSL Variant Classification Criteria 13 December 2019. Collection method: clinical testing. Allele origin: germline.

Clinical Genetics DNA and cytogenetics Diagnostics Lab, Erasmus MC, Erasmus Medical Center
Classification: Likely benign for Cone dystrophy 4. Last evaluated: 2015-04-29. Review status: criteria provided, single submitter. Criteria: ACGS Guidelines, 2013. Collection method: clinical testing. Allele origin: germline. Affected: yes. Study: VKGL Data-share Consensus.

Clinical Genetics, Academic Medical Center
Classification: Likely benign. Review status: no assertion criteria provided. Collection method: clinical testing. Allele origin: germline. Affected: yes. Study: VKGL Data-share Consensus. Not counted in ClinVar's aggregate classification.